The following is an entry in ClinVar:

NM_000465.4(BARD1):c.1309A>G (p.Ile437Val)

Gene: BARD1 (BRCA1 associated RING domain 1; minus strand). Cytogenetic location: 2q35.
Variant type: single nucleotide variant.
Coding change: c.1309A>G on transcript NM_000465.4 (MANE Select); coding-DNA position 1309, A replaced by G.
Protein change: p.Ile437Val; replaces isoleucine 437 with valine.
Molecular consequence: missense variant. On other transcripts: non-coding transcript variant (2), intron variant (3).
Genome position (GRCh38, 1-based): chr2:214,780,565, T>C on the plus strand (A>G on the coding strand, the complement: BARD1 is on the minus strand). VCF-style: chr2-214780565-T-C. GRCh37 (hg19) VCF-style: chr2-215645289-T-C.
Other names: c.1252A>G, p.Ile418Val (NM_001282543.2); c.159-28010A>G (NM_001282548.2); c.215+16496A>G (NM_001282545.2); c.364+11732A>G (NM_001282549.2); short protein forms I437V, I418V.
Identifiers: ClinVar variation 406766 (VCV000406766.36), dbSNP rs764592698, ClinGen allele CA2090309.
Genomic context (GRCh38, chr2:214,780,565, plus strand): 5'-AATTGCTTTATAGTTGGCCTCATTCTGAGATGGTATTTCAGAGTAAGCATCCTACCTTAA[T>C]AGAAGCAATATGGAGCAAAGTCTCTCCTCTATGATTTCTTTTCACAGCCATATTGGGCAA-3'
Protein context (NP_000456.2, residues 427-447): RGETLLHIAS[Ile437Val]KGDIPSVEYL

ClinVar aggregate classification (germline): Uncertain significance. Review status: criteria provided, multiple submitters, no conflicts (2 of 4 stars). 9 submissions from 9 submitters: Uncertain significance (8). 1 of the submissions does not count toward it. Last evaluated 2025-10-14.

Conditions:
Hereditary cancer-predisposing syndrome. Also called: Hereditary Cancer Syndrome; Hereditary neoplastic syndrome; Neoplastic Syndromes, Hereditary; Tumor predisposition. Identifiers: Orphanet 140162, MedGen C0027672, MeSH D009386, MONDO:0015356.
Hereditary breast ovarian cancer syndrome. Also called: BRCA1- and BRCA2-Associated Hereditary Breast and Ovarian Cancer; Hereditary breast and ovarian cancer syndrome (HBOC); Hereditary breast and ovarian cancer; Hereditary breast and ovarian cancer syndrome; Breast and ovarian cancer; Hereditary breast and/or ovarian cancer syndrome. Identifiers: Orphanet 145, MedGen C0677776, MeSH D061325, MONDO:0003582. Disease mechanism: loss of function.
Familial cancer of breast. Also called: BREAST CANCER, FAMILIAL; Hereditary breast cancer; hereditary breast carcinoma. Identifiers: Orphanet 227535, MedGen C0346153, MONDO:0016419, OMIM 114480. Disease mechanism: loss of function.

Allele frequency attached by ClinVar (database versions not stated): gnomAD exomes below 0.00001 and 0.00001; ExAC 0.00001; TOPMed 0.00001.
gnomAD v4.1: 16 of 1,613,484 alleles (0.00099%); highest among the groups gnomAD compares: East Asian, 0.011%; no homozygotes.

Submissions (9):

German Consortium for Hereditary Breast and Ovarian Cancer, University Hospital Cologne
Classification: Uncertain significance for Hereditary breast ovarian cancer syndrome. Last evaluated: 2025-10-14. Review status: criteria provided, single submitter. Criteria: ACMG Guidelines, 2015. Collection method: curation. Allele origin: germline.
Comment: This classification follows the ACMG SVI adaptation classification scheme; We chose these criteria: PM2 (supporting pathogenic): gnomAD v4.1.0 MAF = 0.000009916 (= 0.0009916%, thus < 0.001%), BP4 (supporting benign): REVEL: 0,157, SpliceAI:0.04; Based on evidence we decided that this criterion can not be selected: BP1 (supporting benign): missense variant in a gene where primarily truncating variants cause disease

Labcorp Genetics (formerly Invitae), Labcorp
Classification: Uncertain significance for Familial cancer of breast. Last evaluated: 2025-09-16. Review status: criteria provided, single submitter. Criteria: Invitae Variant Classification Sherloc (09022015). Collection method: clinical testing. Allele origin: germline.
Comment: This sequence change replaces isoleucine, which is neutral and non-polar, with valine, which is neutral and non-polar, at codon 437 of the BARD1 protein (p.Ile437Val). This variant is present in population databases (rs764592698, gnomAD 0.006%). This missense change has been observed in individual(s) with breast or ovarian cancer (PMID: 33552952). ClinVar contains an entry for this variant (Variation ID: 406766). An algorithm developed to predict the effect of missense changes on protein structure and function (PolyPhen-2) suggests that this variant is likely to be tolerated. In summary, the available evidence is currently insufficient to determine the role of this variant in disease. Therefore, it has been classified as a Variant of Uncertain Significance.

Ambry Genetics
Classification: Uncertain significance for Hereditary cancer-predisposing syndrome. Last evaluated: 2025-03-06. Review status: criteria provided, single submitter. Criteria: Ambry Variant Classification Scheme 2023. Collection method: clinical testing. Allele origin: germline.
Comment: The p.I437V variant (also known as c.1309A>G), located in coding exon 4 of the BARD1 gene, results from an A to G substitution at nucleotide position 1309. The isoleucine at codon 437 is replaced by valine, an amino acid with highly similar properties. This variant was observed in 1/3251 individuals who met eligibility criteria for hereditary breast and ovarian cancer syndrome (Lerner-Ellis J et al. J Cancer Res Clin Oncol, 2021 Mar;147:871-879). This amino acid position is highly conserved in available vertebrate species. In addition, this alteration is predicted to be tolerated by in silico analysis. Based on the available evidence, the clinical significance of this variant remains unclear.

Women's Health and Genetics/Laboratory Corporation of America, LabCorp
Classification: Uncertain significance. Last evaluated: 2024-11-12. Review status: criteria provided, single submitter. Criteria: LabCorp Variant Classification Summary - May 2015. Collection method: clinical testing. Allele origin: germline.
Comment: Variant summary: BARD1 c.1309A>G (p.Ile437Val) results in a conservative amino acid change located in the Ankyrin repeat-containing domain of the encoded protein sequence. Three of five in-silico tools predict a benign effect of the variant on protein function. The variant allele was found at a frequency of 4e-06 in 250692 control chromosomes. The available data on variant occurrences in the general population are insufficient to allow any conclusion about variant significance. c.1309A>G has been reported in the literature in a cohort of breast and ovarian cancer patients (Kadri_2021). These report(s) do not provide unequivocal conclusions about association of the variant with Hereditary Breast And Ovarian Cancer Syndrome. To our knowledge, no experimental evidence demonstrating an impact on protein function has been reported. The following publication have been ascertained in the context of this evaluation (PMID: 33552952). ClinVar contains an entry for this variant (Variation ID: 406766). Based on the evidence outlined above, the variant was classified as uncertain significance.

Baylor Genetics
Classification: Uncertain significance for Familial cancer of breast. Last evaluated: 2024-01-24. Review status: criteria provided, single submitter. Criteria: ACMG Guidelines, 2015. Collection method: clinical testing. Allele origin: unknown.

GeneDx
Classification: Uncertain significance. Last evaluated: 2023-09-24. Review status: criteria provided, single submitter. Criteria: GeneDx Variant Classification Process June 2021. Collection method: clinical testing. Allele origin: germline. Affected: yes.
Comment: Not observed at significant frequency in large population cohorts (gnomAD); In silico analysis supports that this missense variant does not alter protein structure/function; This variant is associated with the following publications: (PMID: 18480049, 32566746, 36243179, 33552952)

Color Diagnostics, LLC DBA Color Health
Classification: Uncertain significance for Hereditary cancer-predisposing syndrome. Last evaluated: 2022-12-27. Review status: criteria provided, single submitter. Criteria: ACMG Guidelines, 2015. Collection method: clinical testing. Allele origin: germline.
Comment: This missense variant replaces isoleucine with valine at codon 437 of the BARD1 protein. Computational prediction suggests that this variant may not impact protein structure and function (internally defined REVEL score threshold <= 0.5, PMID: 27666373). To our knowledge, functional studies have not been reported for this variant. This variant has been reported in an individual affected with hereditary breast and ovarian cancer (PMID: 33552952). This variant has been identified in 1/250692 chromosomes in the general population by the Genome Aggregation Database (gnomAD). The available evidence is insufficient to determine the role of this variant in disease conclusively. Therefore, this variant is classified as a Variant of Uncertain Significance.

Cancer Genomics Group, Japanese Foundation For Cancer Research
Classification: Uncertain significance for Hereditary breast and ovarian cancer syndrome. Last evaluated: 2019-05-01. Review status: criteria provided, single submitter. Criteria: ACMG Guidelines, 2015. Collection method: research. Allele origin: germline. Affected: yes.

Department of Pathology and Laboratory Medicine, Sinai Health System
Classification: Uncertain significance. Review status: no assertion criteria provided. Collection method: clinical testing. Allele origin: unknown. Affected: yes. Study: The Canadian Open Genetics Repository (COGR). Not counted in ClinVar's aggregate classification.
Comment: The BARD1 p.Ile437Val variant was not identified in the literature nor was it identified in the Cosmic, MutDB, or Zhejiang University Database. The variant was identified in dbSNP (ID: rs764592698) as â€šÃ„ÃºWith Uncertain significance alleleâ€šÃ„Ã¹, and in ClinVar (as uncertain significance by Invitae, Ambry Genetics, and Color Genomics). The variant was identified in control databases in 2 of 245468 chromosomes at a frequency of 0.000008 (Genome Aggregation Database Feb 27, 2017). The variant was observed in the following populations: East Asian in 1 of 17226 chromosomes (freq: 0.00006), and Finnish in 1 of 22256 chromosomes (freq: 0.00005); it was not observed in the African, Other, Latino, European (Non-Finnish), Ashkenazi Jewish, and South Asian populations. The variant occurs outside of the splicing consensus sequence and in silico or computational prediction software programs (SpliceSiteFinder, MaxEntScan, NNSPLICE, GeneSplicer, HumanSpliceFinder) do not predict a difference in splicing. The p.Ile437 residue is conserved in mammals and computational analyses (PolyPhen-2, SIFT, AlignGVGD, BLOSUM, MutationTaster) provide inconsistent predictions regarding the impact to the protein; this information is not very predictive of pathogenicity. In summary, based on the above information the clinical significance of this variant cannot be determined with certainty at this time. This variant is classified as a variant of uncertain significance.

Literature cited by the submitters: PubMed 33552952 (cited by 3 submitters); PubMed 32885271 (cited by Ambry Genetics).